The following is an entry in ClinVar:

NM_005732.4(RAD50):c.472C>T (p.His158Tyr)

Gene: RAD50 (RAD50 double strand break repair protein; plus strand). Cytogenetic location: 5q31.1.
Variant type: single nucleotide variant.
Coding change: c.472C>T on transcript NM_005732.4 (MANE Select); coding-DNA position 472, C replaced by T.
Protein change: p.His158Tyr; replaces histidine 158 with tyrosine.
Molecular consequence: missense variant.
Genome position (GRCh38, 1-based): chr5:132,579,423, C>T. VCF-style: chr5-132579423-C-T. GRCh37 (hg19) VCF-style: chr5-131915115-C-T.
Other names: short protein forms H158Y.
Identifiers: ClinVar variation 408425 (VCV000408425.9), dbSNP rs1060501980, ClinGen allele CA16611746.

ClinVar aggregate classification (germline): Uncertain significance (1 of 4 stars; one submission).

Conditions:
Hereditary cancer-predisposing syndrome. Also called: Hereditary Cancer Syndrome; Hereditary neoplastic syndrome; Neoplastic Syndromes, Hereditary; Tumor predisposition. Identifiers: Orphanet 140162, MedGen C0027672, MeSH D009386, MONDO:0015356.

Submission:

Labcorp Genetics (formerly Invitae), Labcorp
Classification: Uncertain significance for Hereditary cancer-predisposing syndrome. Last evaluated: 2016-06-17. Review status: criteria provided, single submitter. Criteria: Invitae Variant Classification Sherloc (09022015). Collection method: clinical testing. Allele origin: germline.
Comment: In summary, this variant is a novel missense change with uncertain impact on protein function. It has been classified as a Variant of Uncertain Significance. Algorithms developed to predict the effect of missense changes on protein structure and function (SIFT, PolyPhen-2, Align-GVGD) all suggest that this variant is likely to be disruptive, but these predictions have not been confirmed by published functional studies. This variant is not present in population databases (ExAC no frequency) and has not been reported in the literature in individuals with a RAD50-related disease. This sequence change replaces histidine with tyrosine at codon 158 of the RAD50 protein (p.His158Tyr). The histidine residue is highly conserved and there is a moderate physicochemical difference between histidine and tyrosine.